The following is an entry in ClinVar:

ClinVar aggregate classification (germline): Uncertain significance. Review status: criteria provided, multiple submitters, no conflicts (2 of 4 stars). 2 submissions from 2 submitters: Uncertain significance (2). Last evaluated 2025-01-18.

Conditions:
Tuberous sclerosis 2 (TSC2). Identifiers: Orphanet 805, MedGen C1860707, MONDO:0013199, OMIM 613254.
Hereditary cancer-predisposing syndrome. Also called: Hereditary Cancer Syndrome; Tumor predisposition; Neoplastic Syndromes, Hereditary; Hereditary neoplastic syndrome. Identifiers: Orphanet 140162, MedGen C0027672, MeSH D009386, MONDO:0015356.

Submissions (2):

Ambry Genetics
Classification: Uncertain significance for Hereditary cancer-predisposing syndrome. Last evaluated: 2025-01-18. Review status: criteria provided, single submitter. Criteria: Ambry Variant Classification Scheme 2023. Collection method: clinical testing. Allele origin: germline.
Comment: The p.K964E variant (also known as c.2890A>G), located in coding exon 25 of the TSC2 gene, results from an A to G substitution at nucleotide position 2890. The lysine at codon 964 is replaced by glutamic acid, an amino acid with similar properties. This amino acid position is conserved. In addition, the in silico prediction for this alteration is inconclusive. Based on the available evidence, the clinical significance of this variant remains unclear.

Labcorp Genetics (formerly Invitae), Labcorp
Classification: Uncertain significance for Tuberous sclerosis 2. Last evaluated: 2018-08-12. Review status: criteria provided, single submitter. Criteria: Invitae Variant Classification Sherloc (09022015). Collection method: clinical testing. Allele origin: germline.
Comment: This variant is not present in population databases (ExAC no frequency). In summary, the available evidence is currently insufficient to determine the role of this variant in disease. Therefore, it has been classified as a Variant of Uncertain Significance. Algorithms developed to predict the effect of missense changes on protein structure and function are either unavailable or do not agree on the potential impact of this missense change (SIFT: "Tolerated"; PolyPhen-2: "Benign"; Align-GVGD: "Class C0"). This variant has not been reported in the literature in individuals with TSC2-related disease. This sequence change replaces lysine with glutamic acid at codon 964 of the TSC2 protein (p.Lys964Glu). The lysine residue is moderately conserved and there is a small physicochemical difference between lysine and glutamic acid.

NM_000548.5(TSC2):c.2890A>G (p.Lys964Glu)

Gene: TSC2 (TSC complex subunit 2; plus strand). Cytogenetic location: 16p13.3.
Variant type: single nucleotide variant.
Coding change: c.2890A>G on transcript NM_000548.5 (MANE Select); coding-DNA position 2890, A replaced by G.
Protein change: p.Lys964Glu; replaces lysine 964 with glutamic acid.
Molecular consequence: missense variant. On other transcripts: intron variant (9).
Genome position (GRCh38, 1-based): chr16:2,077,650, A>G. VCF-style: chr16-2077650-A-G. GRCh37 (hg19) VCF-style: chr16-2127651-A-G.
Other names: c.2890A>G, p.Lys964Glu (NM_001114382.3); c.2837+1065A>G (NM_021055.3, NM_001370405.1, NM_001363528.2 and 2 more transcripts); c.2726+1065A>G (NM_001318827.2); c.2237+1065A>G (NM_001318831.2); c.2690+1065A>G (NM_001318829.2); c.2870+1065A>G (NM_001318832.2); short protein forms K964E.
Identifiers: ClinVar variation 646700 (VCV000646700.9), dbSNP rs1596375009, ClinGen allele CA394281070.